The following is an entry in ClinVar:

ClinVar aggregate classification (germline): Benign. Review status: criteria provided, multiple submitters, no conflicts (2 of 4 stars). 8 submissions from 8 submitters: Benign (8). Last evaluated 2026-02-04.

Conditions:
Hereditary pulmonary alveolar proteinosis. Also called: Pulmonary surfactant metabolism dysfunction. Identifiers: Orphanet 264675, MedGen C3711368, MONDO:0012580.
Surfactant metabolism dysfunction, pulmonary, 1. Also called: INTERSTITIAL LUNG DISEASE DUE TO SURFACTANT PROTEIN B DEFICIENCY; INTERSTITIAL LUNG DISEASE, NONSPECIFIC, DUE TO SURFACTANT PROTEIN B DEFICIENCY; Pulmonary surfactant protein B, deficiency of; Neonatal acute respiratory distress due to SP-B deficiency; PULMONARY ALVEOLAR PROTEINOSIS, CONGENITAL, 1. Identifiers: Orphanet 217563, MedGen C1968602, MONDO:0009929, OMIM 265120.

Allele frequency attached by ClinVar (database versions not stated): TOPMed 0.40288; ExAC 0.42543; 1000 Genomes Project 30x 0.42364; gnomAD 0.39035 and 0.39406; gnomAD exomes 0.41079 and 0.38979; ESP Exome Variant Server 0.35110; 1000 Genomes Project 0.41853.
gnomAD v4.1: 604,513 of 1,548,004 alleles (39%); highest among the groups gnomAD compares: East Asian, 51%; 119,398 homozygotes.

Submissions (8):

Labcorp Genetics (formerly Invitae), Labcorp
Classification: Benign. Last evaluated: 2026-02-04. Review status: criteria provided, single submitter. Criteria: Invitae Variant Classification Sherloc (09022015). Collection method: clinical testing. Allele origin: germline.

Blueprint Genetics
Classification: Benign. Last evaluated: 2024-11-26. Review status: criteria provided, single submitter. Criteria: ACMG Guidelines, 2015. Collection method: clinical testing. Allele origin: germline.

GeneDx
Classification: Benign. Last evaluated: 2018-11-12. Review status: criteria provided, single submitter. Criteria: GeneDx Variant Classification Process June 2021. Collection method: clinical testing. Allele origin: germline. Affected: yes.
Comment: This variant is associated with the following publications: (PMID: 26202972, 17071721)

Illumina Laboratory Services, Illumina
Classification: Benign for Surfactant metabolism dysfunction, pulmonary, 1. Last evaluated: 2018-03-06. Review status: criteria provided, single submitter. Criteria: ICSL Variant Classification Criteria 13 December 2019. Collection method: clinical testing. Allele origin: germline.
Comment: This variant was observed in the ICSL laboratory as part of a predisposition screen in an ostensibly healthy population. It had not been previously curated by ICSL or reported in the Human Gene Mutation Database (HGMD: prior to June 1st, 2018), and was therefore a candidate for classification through an automated scoring system. Utilizing variant allele frequency, disease prevalence and penetrance estimates, and inheritance mode, an automated score was calculated to assess if this variant is too frequent to cause the disease. Based on the score and internal cut-off values, a variant classified as benign is not then subjected to further curation. The score for this variant resulted in a classification of benign for this disease.

Ambry Genetics
Classification: Benign for Hereditary pulmonary alveolar proteinosis. Last evaluated: 2015-10-26. Review status: criteria provided, single submitter. Criteria: Ambry Variant Classification Scheme 2023. Collection method: clinical testing. Allele origin: germline.

Laboratory for Molecular Medicine, Mass General Brigham Personalized Medicine
Classification: Benign. Last evaluated: 2013-06-13. Review status: criteria provided, single submitter. Criteria: LMM Criteria. Collection method: clinical testing. Allele origin: germline. Observed: 76 variant alleles.

Breakthrough Genomics
Classification: Benign. Review status: criteria provided, single submitter. Criteria: ACMG Guidelines, 2015. Collection method: not provided. Allele origin: germline. Inheritance: Autosomal recessive inheritance. Affected: yes.

PreventionGenetics, part of Exact Sciences
Classification: Benign. Review status: criteria provided, single submitter. Criteria: ACMG Guidelines, 2015. Collection method: clinical testing. Allele origin: germline.

NM_198843.4(SFTPB):c.-32A>C

Gene: SFTPB (surfactant protein B; minus strand). Cytogenetic location: 2p11.2.
Variant type: single nucleotide variant.
Coding change: c.-32A>C on transcript NM_198843.4; 32 bases upstream of the start codon, A replaced by C.
Genome position (GRCh38, 1-based): chr2:85,668,215, T>G on the plus strand (A>C on the coding strand, the complement: SFTPB is on the minus strand). VCF-style: chr2-85668215-T-G. GRCh37 (hg19) VCF-style: chr2-85895338-T-G.
Identifiers: ClinVar variation 165208 (VCV000165208.26), dbSNP rs2077079, ClinGen allele CA177952.